The following is an entry in ClinVar:

ClinVar aggregate classification (germline): Uncertain significance (1 of 4 stars; one submission).

Submission:

GeneDx
Classification: Uncertain significance. Last evaluated: 2025-07-23. Review status: criteria provided, single submitter. Criteria: GeneDx Variant Classification Process June 2021. Collection method: clinical testing. Allele origin: germline. Affected: yes.
Comment: In-frame deletion of 5 amino acid(s) in a non-repeat region; In silico analysis suggests that this variant does not alter protein structure/function; Has not been previously published as pathogenic or benign to our knowledge

NM_020987.5(ANK3):c.11881_11895del (p.Thr3961_Thr3965del)

Gene: ANK3 (ankyrin 3; minus strand). Cytogenetic location: 10q21.2.
Variant type: Deletion.
Coding change: c.11881_11895del on transcript NM_020987.5 (MANE Select); coding-DNA positions 11881 to 11895, 15 bases deleted (ACCACCACCACCACT).
Protein change: p.Thr3961_Thr3965del.
Molecular consequence: intron variant (on NM_001204403.2).
Genome position (GRCh38, 1-based): chr10:60,068,986-60,069,000, AGTGGTGGTGGTGGT deleted on the plus strand (ACCACCACCACCACT on the coding strand, the reverse complement: ANK3 is on the minus strand); deleting any 15 consecutive bases within chr10:60,068,986-60,069,004 gives the same sequence; the c. name uses the placement nearest the transcript's 3' end. VCF-style (leftmost placement, unchanged base first): chr10-60068985-CAGTGGTGGTGGTGGT-C. GRCh37 (hg19) VCF-style: chr10-61828743-CAGTGGTGGTGGTGGT-C.
Other names: c.4388-991_4388-977del (NM_001204403.2); c.4409-991_4409-977del (NM_001204404.2); c.4406-991_4406-977del (NM_001320874.2); c.1808-991_1808-977del (NM_001149.4).
Identifiers: ClinVar variation 4687051 (VCV004687051.1).